The following is an entry in ClinVar:

ClinVar aggregate classification (germline): Likely pathogenic (1 of 4 stars; one submission).

Conditions:
Congenital myasthenic syndrome 10. Also called: Myasthenia, limb-girdle, familial. Identifiers: Orphanet 590, MedGen C1850792, MONDO:0009690, OMIM 254300.

Submission:

Pediatric Neurology, Ankara Etlik City Hospital, Health Sciences University
Classification: Likely pathogenic for Congenital myasthenic syndrome 10. Last evaluated: 2026-04-14. Review status: criteria provided, single submitter. Criteria: ACMG Guidelines, 2015. Collection method: clinical testing. Allele origin: germline. Inheritance: Autosomal recessive inheritance. Affected: yes. Observed: 1 variant allele, 1 homozygote.
Comment: PVS1 PM2

NM_173660.5(DOK7):c.829_875dup (p.Ser293fs)

Gene: DOK7 (docking protein 7; plus strand). Cytogenetic location: 4p16.3.
Variant type: Duplication.
Coding change: c.829_875dup on transcript NM_173660.5 (MANE Select); coding-DNA positions 829 to 875, 47 bases duplicated.
Protein change: p.Ser293fs; shifts the reading frame from serine 293.
Molecular consequence: frameshift variant. On other transcripts: 3 prime UTR variant (1), 5 prime UTR variant (1).
Genome position (GRCh38, 1-based): chr4:3,492,815-3,492,861, 47 bases duplicated; duplicating any 47 consecutive bases within chr4:3,492,808-3,492,861 gives the same sequence; the c. name uses the placement nearest the transcript's 3' end. GRCh37 (hg19): chr4:3,494,542-3,494,588.
Other names: c.*50_*96dup (NM_001164673.2); c.-102_-56dup (NM_001256896.2); c.829_875dup, p.Ser293fs (NM_001301071.2); c.397_443dup, p.Ser149fs (NM_001363811.2); short protein forms S149fs, S293fs.
Identifiers: ClinVar variation 4845282 (VCV004845282.1).
Genomic context (GRCh38, chr4:3,492,807, plus strand): 5'-GCTCTGTCTCAGGGGATGACCGCAGCCTGTCCAGCTCATCCTCAGAGGCCAGTCACTTGG[A>ACGTCAGCGCCAGCAGCCGGCTCACCGCATGGCCAGAGCAATCCTCGT]CGTCAGCGCCAGCAGCCGGCTCACCGCATGGCCAGAGCAATCCTCGTCGTCAGCCAGCAC-3'